The following is an entry in ClinVar:

NM_130806.5(RXFP2):c.779A>G (p.Asn260Ser)

Gene: RXFP2 (relaxin family peptide receptor 2; plus strand). Cytogenetic location: 13q13.1.
Variant type: single nucleotide variant.
Coding change: c.779A>G on transcript NM_130806.5 (MANE Select); coding-DNA position 779, A replaced by G.
Protein change: p.Asn260Ser; replaces asparagine 260 with serine.
Molecular consequence: missense variant.
Genome position (GRCh38, 1-based): chr13:31,778,577, A>G. VCF-style: chr13-31778577-A-G. GRCh37 (hg19) VCF-style: chr13-32352714-A-G.
Other names: c.779A>G, p.Asn260Ser (NM_001166058.2); short protein forms N260S.
Identifiers: ClinVar variation 2672536 (VCV002672536.23), dbSNP rs73163317, ClinGen allele CA6937238.

ClinVar aggregate classification (germline): Likely benign (1 of 4 stars; one submission).

Allele frequency attached by ClinVar (database versions not stated): 1000 Genomes Project 0.00280; 1000 Genomes Project 30x 0.00297; TOPMed 0.00423; gnomAD 0.00443; ExAC 0.00502; gnomAD exomes 0.00592; ESP Exome Variant Server 0.00646.
gnomAD v4.1: 9,364 of 1,603,100 alleles (0.58%); highest among the groups gnomAD compares: Non-Finnish European, 0.68%; 31 homozygotes.

Submission:

CeGaT Center for Human Genetics Tuebingen
Classification: Likely benign. Last evaluated: 2023-11-01. Review status: criteria provided, single submitter. Criteria: CeGaT Center For Human Genetics Tuebingen Variant Classification Criteria Version 2. Collection method: clinical testing. Allele origin: germline. Affected: yes. Observed: 1 variant allele.
Comment: RXFP2: BP4, BS2